The following is an entry in ClinVar:

NM_006424.3(SLC34A2):c.1574A>C (p.Tyr525Ser)

Gene: SLC34A2 (solute carrier family 34 member 2; plus strand). Cytogenetic location: 4p15.2.
Variant type: single nucleotide variant.
Coding change: c.1574A>C on transcript NM_006424.3 (MANE Select); coding-DNA position 1574, A replaced by C.
Protein change: p.Tyr525Ser; replaces tyrosine 525 with serine.
Molecular consequence: missense variant.
Genome position (GRCh38, 1-based): chr4:25,676,250, A>C. VCF-style: chr4-25676250-A-C. GRCh37 (hg19) VCF-style: chr4-25677872-A-C.
Other names: c.1571A>C, p.Tyr524Ser (NM_001177998.2, NM_001177999.2); short protein forms Y524S, Y525S.
Identifiers: ClinVar variation 2099395 (VCV002099395.4), dbSNP rs1715105197, ClinGen allele CA356571243.

ClinVar aggregate classification (germline): Uncertain significance (1 of 4 stars; one submission).

Submission:

Labcorp Genetics (formerly Invitae), Labcorp
Classification: Uncertain significance. Last evaluated: 2022-02-19. Review status: criteria provided, single submitter. Criteria: Invitae Variant Classification Sherloc (09022015). Collection method: clinical testing. Allele origin: germline.
Comment: This variant is not present in population databases (gnomAD no frequency). This sequence change replaces tyrosine, which is neutral and polar, with serine, which is neutral and polar, at codon 525 of the SLC34A2 protein (p.Tyr525Ser). This variant has not been reported in the literature in individuals affected with SLC34A2-related conditions. Algorithms developed to predict the effect of missense changes on protein structure and function are either unavailable or do not agree on the potential impact of this missense change (SIFT: "Deleterious"; PolyPhen-2: "Possibly Damaging"; Align-GVGD: "Class C0"). In summary, the available evidence is currently insufficient to determine the role of this variant in disease. Therefore, it has been classified as a Variant of Uncertain Significance.